The following is an entry in ClinVar:

ClinVar aggregate classification (germline): Benign/Likely benign. Review status: criteria provided, multiple submitters, no conflicts (2 of 4 stars). 8 submissions from 8 submitters: Benign (2); Likely benign (6). Last evaluated 2026-08-25.

Conditions:
MEN1-related disorder. Also called: MEN1-related condition.
Hereditary cancer-predisposing syndrome. Also called: Tumor predisposition; Hereditary neoplastic syndrome; Neoplastic Syndromes, Hereditary; Hereditary Cancer Syndrome. Identifiers: Orphanet 140162, MedGen C0027672, MeSH D009386, MONDO:0015356.
Multiple endocrine neoplasia, type 1 (MEN1). Also called: MEN I; WERMER SYNDROME; Endocrine adenomatosis multiple; MEN 1; MEA I. Identifiers: Orphanet 652, MedGen C0025267, MeSH D018761, MONDO:0007540, OMIM 131100.

Allele frequency attached by ClinVar (database versions not stated): gnomAD exomes 0.00001.
gnomAD v4.1: 13 of 1,597,194 alleles (0.00081%); highest among the groups gnomAD compares: Middle Eastern, 0.018%; no homozygotes.

Submissions (8):

PreventionGenetics, part of Exact Sciences
Classification: Likely benign for MEN1-related condition. Last evaluated: 2026-08-25. Review status: criteria provided, single submitter. Criteria: ACMG Guidelines, 2015. Collection method: clinical testing. Allele origin: germline.
Comment: This variant is classified as likely benign based on ACMG/AMP sequence variant interpretation guidelines (Richards et al. 2015 PMID: 25741868, with internal and published modifications).

Labcorp Genetics (formerly Invitae), Labcorp
Classification: Likely benign for Multiple endocrine neoplasia, type 1. Last evaluated: 2026-01-11. Review status: criteria provided, single submitter. Criteria: Invitae Variant Classification Sherloc (09022015). Collection method: clinical testing. Allele origin: germline.

KCCC/NGS Laboratory, Kuwait Cancer Control Center
Classification: Benign for Multiple endocrine neoplasia, type 1. Last evaluated: 2025-02-01. Review status: criteria provided, single submitter. Criteria: ACMG Guidelines, 2015. Collection method: clinical testing. Allele origin: germline. Affected: no.

Myriad Genetics, Inc.
Classification: Benign for Multiple endocrine neoplasia, type 1. Last evaluated: 2024-11-05. Review status: criteria provided, single submitter. Criteria: Myriad Autosomal Dominant, Autosomal Recessive and X-Linked Classification Criteria (2023). Collection method: clinical testing. Allele origin: unknown.
Comment: This variant is considered benign. This variant is a silent/synonymous amino acid change and it is not expected to impact splicing.

Blueprint Genetics
Classification: Likely benign. Last evaluated: 2023-10-10. Review status: criteria provided, single submitter. Criteria: ACMG Guidelines, 2015. Collection method: clinical testing. Allele origin: germline.

Color Diagnostics, LLC DBA Color Health
Classification: Likely benign for Multiple endocrine neoplasia, type 1. Last evaluated: 2022-11-06. Review status: criteria provided, single submitter. Criteria: ACMG Guidelines, 2015. Collection method: clinical testing. Allele origin: germline.

Sema4
Classification: Likely benign for Hereditary cancer-predisposing syndrome. Last evaluated: 2021-05-14. Review status: criteria provided, single submitter. Criteria: Sema4 Curation Guidelines. Collection method: curation. Allele origin: germline.

Ambry Genetics
Classification: Likely benign for Hereditary cancer-predisposing syndrome. Last evaluated: 2021-05-06. Review status: criteria provided, single submitter. Criteria: Ambry Variant Classification Scheme 2023. Collection method: clinical testing. Allele origin: germline.

NM_001370259.2(MEN1):c.1428G>C (p.Arg476=)

Gene: MEN1 (menin 1; minus strand). Cytogenetic location: 11q13.1.
Variant type: single nucleotide variant.
Coding change: c.1428G>C on transcript NM_001370259.2 (MANE Select); coding-DNA position 1428, G replaced by C.
Protein change: p.Arg476=; no amino-acid change (arginine 476 retained).
Molecular consequence: synonymous variant.
Genome position (GRCh38, 1-based): chr11:64,804,739, C>G on the plus strand (G>C on the coding strand, the complement: MEN1 is on the minus strand). VCF-style: chr11-64804739-C-G. GRCh37 (hg19) VCF-style: chr11-64572211-C-G.
Other names: c.1443G>C, p.Arg481= (NM_000244.4, NM_130800.3, NM_130801.3 and 3 more transcripts); c.1554G>C, p.Arg518= (NM_001370251.2); c.1428G>C, p.Arg476= (NM_001370260.2, NM_001370261.2, NM_130799.3); c.1323G>C, p.Arg441= (NM_001370262.2, NM_001370263.2); c.1443G>C (NM_000244.3).
Identifiers: ClinVar variation 457298 (VCV000457298.19), dbSNP rs1555163730, ClinGen allele CA475163376.